The following is an entry in ClinVar:

ClinVar aggregate classification (germline): Uncertain significance (1 of 4 stars; one submission).

Conditions:
Rafiq syndrome (RAFQS). Identifiers: Orphanet 88616, MedGen C3280127, MONDO:0013624, OMIM 614202.

Allele frequency attached by ClinVar (database versions not stated): gnomAD 0.00001; TOPMed 0.00005.
gnomAD v4.1: 2 of 1,613,580 alleles (0.00012%); highest among the groups gnomAD compares: Admixed American, 0.0033%; no homozygotes.

Submission:

Labcorp Genetics (formerly Invitae), Labcorp
Classification: Uncertain significance for Rafiq syndrome. Last evaluated: 2021-11-16. Review status: criteria provided, single submitter. Criteria: Invitae Variant Classification Sherloc (09022015). Collection method: clinical testing. Allele origin: germline.
Comment: Algorithms developed to predict the effect of missense changes on protein structure and function (SIFT, PolyPhen-2, Align-GVGD) all suggest that this variant is likely to be tolerated. In summary, the available evidence is currently insufficient to determine the role of this variant in disease. Therefore, it has been classified as a Variant of Uncertain Significance. This variant has not been reported in the literature in individuals affected with MAN1B1-related conditions. This variant is not present in population databases (gnomAD no frequency). This sequence change replaces isoleucine, which is neutral and non-polar, with valine, which is neutral and non-polar, at codon 695 of the MAN1B1 protein (p.Ile695Val).

NM_016219.5(MAN1B1):c.2083A>G (p.Ile695Val)

Gene: MAN1B1 (mannosidase alpha class 1B member 1; plus strand). Cytogenetic location: 9q34.3.
Variant type: single nucleotide variant.
Coding change: c.2083A>G on transcript NM_016219.5 (MANE Select); coding-DNA position 2083, A replaced by G.
Protein change: p.Ile695Val; replaces isoleucine 695 with valine.
Molecular consequence: missense variant. On other transcripts: non-coding transcript variant (2).
Genome position (GRCh38, 1-based): chr9:137,108,574, A>G. VCF-style: chr9-137108574-A-G. GRCh37 (hg19) VCF-style: chr9-140003026-A-G.
Other names: short protein forms I695V.
Identifiers: ClinVar variation 1440548 (VCV001440548.4), dbSNP rs963979748, ClinGen allele CA201701879.